The following is an entry in ClinVar:

NM_031418.4(ANO3):c.*9T>C

Gene: ANO3 (anoctamin 3; plus strand). Cytogenetic location: 11p14.2.
Variant type: single nucleotide variant.
Coding change: c.*9T>C on transcript NM_031418.4 (MANE Select); 9 bases downstream of the stop codon, T replaced by C.
Molecular consequence: 3 prime UTR variant.
Genome position (GRCh38, 1-based): chr11:26,660,453, T>C. VCF-style: chr11-26660453-T-C. GRCh37 (hg19) VCF-style: chr11-26682000-T-C.
Other names: c.*9T>C (NM_001313726.2, NM_001313727.2).
Identifiers: ClinVar variation 1241278 (VCV001241278.4), dbSNP rs117099158, ClinGen allele CA5926653.

ClinVar aggregate classification (germline): Benign/Likely benign. Review status: criteria provided, multiple submitters, no conflicts (2 of 4 stars). 3 submissions from 3 submitters: Benign (2); Likely benign (1). Last evaluated 2024-11-20.

Allele frequency attached by ClinVar (database versions not stated): 1000 Genomes Project 0.00200; ESP Exome Variant Server 0.00223; 1000 Genomes Project 30x 0.00234; gnomAD exomes 0.00285 and 0.00313; ExAC 0.00344.
gnomAD v4.1: 4,929 of 1,607,150 alleles (0.31%); highest among the groups gnomAD compares: Non-Finnish European, 0.35%; 16 homozygotes.

Submissions (3):

Blueprint Genetics
Classification: Likely benign. Last evaluated: 2024-11-20. Review status: criteria provided, single submitter. Criteria: ACMG Guidelines, 2015. Collection method: clinical testing. Allele origin: germline.

Mayo Clinic Laboratories, Mayo Clinic
Classification: Benign. Last evaluated: 2023-02-02. Review status: criteria provided, single submitter. Criteria: ACMG Guidelines, 2015. Collection method: clinical testing. Allele origin: germline. Observed: 6 variant alleles.
Comment: BS1, BS2

GeneDx
Classification: Benign. Last evaluated: 2020-06-02. Review status: criteria provided, single submitter. Criteria: GeneDx Variant Classification Process June 2021. Collection method: clinical testing. Allele origin: germline. Affected: yes.